The following is an entry in ClinVar:

NM_183050.4(BCKDHB):c.1006G>A (p.Gly336Ser)

Gene: BCKDHB (branched chain keto acid dehydrogenase E1 subunit beta; plus strand). Cytogenetic location: 6q14.1.
Variant type: single nucleotide variant.
Coding change: c.1006G>A on transcript NM_183050.4 (MANE Select); coding-DNA position 1006, G replaced by A.
Protein change: p.Gly336Ser; replaces glycine 336 with serine.
Molecular consequence: missense variant. On other transcripts: non-coding transcript variant (1).
Genome position (GRCh38, 1-based): chr6:80,273,189, G>A. VCF-style: chr6-80273189-G-A. GRCh37 (hg19) VCF-style: chr6-80982906-G-A.
Other names: c.1006G>A (NM_183050.3); c.1006G>A, p.Gly336Ser (NM_000056.5); c.796G>A, p.Gly266Ser (NM_001318975.1); short protein forms G336S, G266S.
Identifiers: ClinVar variation 96562 (VCV000096562.24), dbSNP rs398124560, ClinGen allele CA224232.

ClinVar aggregate classification (germline): Pathogenic/Likely pathogenic. Review status: criteria provided, multiple submitters, no conflicts (2 of 4 stars). 9 submissions from 9 submitters: Pathogenic (5); Likely pathogenic (3). 1 of the submissions does not count toward it. Last evaluated 2025-12-18.

Conditions:
Maple syrup urine disease type 1B (MSUD1B). Also called: MSUD type IB; MSUD type 3 (formerly); MSUD due to deficiency of e1-beta subunit of branched-chain alpha-keto acid dehydrogenase complex. Identifiers: MedGen C2930990, MONDO:0023692, OMIM 620698.
Maple syrup urine disease (MSUD). Identifiers: Orphanet 511, MedGen C0024776, MeSH D008375, MONDO:0009563. Disease mechanism: loss of function.
Maple syrup urine disease type 1A (MSUD1A). Also called: MSUD type 1A. Identifiers: MedGen C1855369, MONDO:0023691, OMIM 248600.

Allele frequency attached by ClinVar (database versions not stated): gnomAD exomes below 0.00001.
gnomAD v4.1: 4 of 1,613,486 alleles (0.00025%); highest among the groups gnomAD compares: East Asian, 0.0022%; no homozygotes.

Submissions (9):

Labcorp Genetics (formerly Invitae), Labcorp
Classification: Pathogenic for Maple syrup urine disease. Last evaluated: 2025-12-18. Review status: criteria provided, single submitter. Criteria: Invitae Variant Classification Sherloc (09022015). Collection method: clinical testing. Allele origin: germline.
Comment: This sequence change replaces glycine, which is neutral and non-polar, with serine, which is neutral and polar, at codon 336 of the BCKDHB protein (p.Gly336Ser). This variant is present in population databases (rs398124560, gnomAD 0.006%). This missense change has been observed in individual(s) with maple syrup urine disease (PMID: 28417071, 28830848, 31112740). ClinVar contains an entry for this variant (Variation ID: 96562). Invitae Evidence Modeling of protein sequence and biophysical properties (such as structural, functional, and spatial information, amino acid conservation, physicochemical variation, residue mobility, and thermodynamic stability) indicates that this missense variant is not expected to disrupt BCKDHB protein function with a negative predictive value of 80%. For these reasons, this variant has been classified as Pathogenic.

Natera, Inc.
Classification: Pathogenic for Maple syrup urine disease type 1B. Last evaluated: 2025-10-13. Review status: criteria provided, single submitter. Criteria: Natera Variant Classification Schema (03/2026). Collection method: clinical testing. Allele origin: germline.
Comment: The c.1006G>A variant in BCKDHB is a missense variant predicted to cause substitution of glycine to serine at amino acid 336. This variant is rare in the general population with a frequency below the threshold expected for the associated phenotype(s). This variant has been observed in one or more individuals affected with the associated recessive disease, as either homozygous or compound heterozygous with a second variant (PMID: 28417071, 37421976, 33955723, 36911408, 34556729). Computational prediction algorithms indicate this variant is likely to affect gene or protein function. Given the available evidence, this variant is classified as Pathogenic.

Genomic Medicine Center of Excellence, King Faisal Specialist Hospital and Research Centre
Classification: Pathogenic for Maple syrup urine disease type 1B. Last evaluated: 2024-03-25. Review status: criteria provided, single submitter. Criteria: ACMG Guidelines, 2015. Collection method: clinical testing. Allele origin: germline.

Fulgent Genetics
Classification: Pathogenic for Maple syrup urine disease type 1B. Last evaluated: 2024-03-18. Review status: criteria provided, single submitter. Criteria: ACMG Guidelines, 2015. Collection method: clinical testing. Allele origin: germline.

Women's Health and Genetics/Laboratory Corporation of America, LabCorp
Classification: Pathogenic for Maple syrup urine disease type 1B. Last evaluated: 2023-07-05. Review status: criteria provided, single submitter. Criteria: LabCorp Variant Classification Summary - May 2015. Collection method: clinical testing. Allele origin: germline.
Comment: Variant summary: BCKDHB c.1006G>A (p.Gly336Ser) results in a non-conservative amino acid change located in the C-terminal domain (IPR033248) of the encoded protein sequence. Five of five in-silico tools predict a damaging effect of the variant on protein function. The variant allele was found at a frequency of 4e-06 in 251350 control chromosomes (gnomAD). The available data on variant occurrences in the general population are insufficient to allow any conclusion about variant significance. c.1006G>A has been reported in the literature in multiple homozygous and compound heterozygous individuals affected with Maple Syrup Urine Disease Type 1B (e.g., Imtiaz_2017, Cheng_2017). These data indicate that the variant is very likely to be associated with disease. The following publications have been ascertained in the context of this evaluation (PMID: 28830848, 28417071). Five submitters have reported clinical-significance assessments for this variant to ClinVar after 2014. All submitters classified the variant as pathogenic (n = 1) or likely pathogenic (n = 4). Based on the evidence outlined above, the variant was classified as pathogenic.

Genome-Nilou Lab
Classification: Likely pathogenic for Maple syrup urine disease type 1A. Last evaluated: 2021-11-07. Review status: criteria provided, single submitter. Criteria: ACMG Guidelines, 2015. Collection method: clinical testing. Allele origin: germline. Affected: no.

Mendelics
Classification: Likely pathogenic for Maple syrup urine disease type 1A. Last evaluated: 2019-05-28. Review status: criteria provided, single submitter. Criteria: Mendelics Assertion Criteria 2017. Collection method: clinical testing. Allele origin: unknown.

Eurofins Ntd Llc (ga)
Classification: Likely pathogenic. Last evaluated: 2017-12-07. Review status: criteria provided, single submitter. Criteria: EGL Classification Definitions 2015. Collection method: clinical testing. Allele origin: germline. Observed: 1 variant allele, 1 heterozygote.

Counsyl
Classification: Likely pathogenic for Maple syrup urine disease type 1A. Last evaluated: 2018-05-16. Review status: no assertion criteria provided. Collection method: clinical testing. Allele origin: unknown. Not counted in ClinVar's aggregate classification.

Literature cited by the submitters: PubMed 28417071 (cited by 5 submitters); PubMed 28830848 (cited by 4 submitters); PubMed 31112740 (cited by Labcorp Genetics (formerly Invitae), Labcorp); PubMed 37421976 (cited by Natera, Inc.); PubMed 33955723 (cited by Natera, Inc.); PubMed 36911408 (cited by Natera, Inc.); PubMed 34556729 (cited by Natera, Inc.).